The following is an entry in ClinVar:

ClinVar aggregate classification (germline): Likely benign. Review status: criteria provided, multiple submitters, no conflicts (2 of 4 stars). 2 submissions from 2 submitters: Likely benign (2). Last evaluated 2023-12-13.

Conditions:
RYR1-related disorder. Also called: RYR1-related condition; RYR1-related disorders. Identifiers: MedGen CN239331.
Malignant hyperthermia, susceptibility to, 1 (MHS1). Also called: RYR1-Related Malignant Hyperthermia Susceptibility; Anesthesia related hyperthermia; Malignant hyperpyrexia; Fulminating hyperpyrexia; Pharmacogenic myopathy; Malignant hyperthermia suceptibility 1. Identifiers: Orphanet 423, MedGen C2930980, MONDO:0007783, OMIM 145600.

Allele frequency attached by ClinVar (database versions not stated): TOPMed below 0.00001; ExAC 0.00004.
gnomAD v4.1: 9 of 1,574,164 alleles (0.00057%); highest among the groups gnomAD compares: East Asian, 0.0047%; no homozygotes.

Submissions (2):

All of Us Research Program, National Institutes of Health
Classification: Likely benign for Malignant hyperthermia, susceptibility to, 1. Last evaluated: 2023-12-13. Review status: criteria provided, single submitter. Criteria: ACMG Guidelines, 2015. Collection method: clinical testing. Allele origin: germline. Inheritance: Autosomal dominant inheritance. Observed: 1 variant allele, 1 heterozygote.
Comment: This study involves interpretation of variants in research participants for the purpose of population health screening. Participant phenotype was not available at the time of variant classification. Additional details can be found in publication PMID: 35346344, PMCID: PMC8962531

Labcorp Genetics (formerly Invitae), Labcorp
Classification: Likely benign for RYR1-related disorder. Last evaluated: 2023-11-24. Review status: criteria provided, single submitter. Criteria: Invitae Variant Classification Sherloc (09022015). Collection method: clinical testing. Allele origin: germline.

NM_000540.3(RYR1):c.3993C>T (p.Tyr1331=)

Gene: RYR1 (ryanodine receptor 1; plus strand). Cytogenetic location: 19q13.2.
Variant type: single nucleotide variant.
Coding change: c.3993C>T on transcript NM_000540.3 (MANE Select); coding-DNA position 3993, C replaced by T.
Protein change: p.Tyr1331=; no amino-acid change (tyrosine 1331 retained).
Molecular consequence: synonymous variant.
Genome position (GRCh38, 1-based): chr19:38,473,604, C>T. VCF-style: chr19-38473604-C-T. GRCh37 (hg19) VCF-style: chr19-38964244-C-T.
Other names: c.3993C>T, p.Tyr1331= (NM_001042723.2).
Identifiers: ClinVar variation 1077607 (VCV001077607.10), dbSNP rs757263741, ClinGen allele CA065456.